The following is an entry in ClinVar:

ClinVar aggregate classification (germline): Uncertain significance. Review status: criteria provided, multiple submitters, no conflicts (2 of 4 stars). 2 submissions from 2 submitters: Uncertain significance (2). Last evaluated 2024-01-08.

Conditions:
Inborn genetic diseases. Identifiers: MedGen C0950123, MeSH D030342.

Allele frequency attached by ClinVar (database versions not stated): TOPMed below 0.00001.
gnomAD v4.1: 1 of 1,613,972 alleles (0.000062%); highest among the groups gnomAD compares: Admixed American, 0.0017%; no homozygotes.

Submissions (2):

Ambry Genetics
Classification: Uncertain significance for Inborn genetic diseases. Last evaluated: 2024-01-08. Review status: criteria provided, single submitter. Criteria: Ambry Variant Classification Scheme 2023. Collection method: clinical testing. Allele origin: germline.

Labcorp Genetics (formerly Invitae), Labcorp
Classification: Uncertain significance. Last evaluated: 2022-04-29. Review status: criteria provided, single submitter. Criteria: Invitae Variant Classification Sherloc (09022015). Collection method: clinical testing. Allele origin: germline.
Comment: In summary, the available evidence is currently insufficient to determine the role of this variant in disease. Therefore, it has been classified as a Variant of Uncertain Significance. Algorithms developed to predict the effect of missense changes on protein structure and function (SIFT, PolyPhen-2, Align-GVGD) all suggest that this variant is likely to be tolerated. This variant has not been reported in the literature in individuals affected with STAMBP-related conditions. This variant is present in population databases (no rsID available, gnomAD 0.003%). This sequence change replaces proline, which is neutral and non-polar, with leucine, which is neutral and non-polar, at codon 86 of the STAMBP protein (p.Pro86Leu).

NM_213622.4(STAMBP):c.257C>T (p.Pro86Leu)

Gene: STAMBP (STAM binding protein; plus strand). Cytogenetic location: 2p13.1.
Variant type: single nucleotide variant.
Coding change: c.257C>T on transcript NM_213622.4 (MANE Select); coding-DNA position 257, C replaced by T.
Protein change: p.Pro86Leu; replaces proline 86 with leucine.
Molecular consequence: missense variant. On other transcripts: 5 prime UTR variant (6), non-coding transcript variant (4).
Genome position (GRCh38, 1-based): chr2:73,844,866, C>T. VCF-style: chr2-73844866-C-T. GRCh37 (hg19) VCF-style: chr2-74071993-C-T.
Other names: c.257C>T, p.Pro86Leu (NM_001353967.2, NM_001353968.2, NM_001353969.2 and 3 more transcripts); c.-297C>T (NM_001353971.2, NM_001353973.2, NM_001353974.2 and 2 more transcripts); c.-149C>T (NM_001353972.2); c.257C>T (NM_213622.2); short protein forms P86L.
Identifiers: ClinVar variation 2175326 (VCV002175326.4), dbSNP rs1430174225, ClinGen allele CA347305078.
Genomic context (GRCh38, chr2:73,844,866, plus strand): 5'-TCCTTAGGCTCTTTATTGAGAAACTACCAAAACATCGAGATTACAAATCTGCTGTCATTC[C>T]TGAAAAGAAAGACACAGTAAAGGTGGGTCTTCACTTTCATTGTTGCCCATCTAAAAGCTT-3'
Protein context (NP_998787.1, residues 76-96): KHRDYKSAVI[Pro86Leu]EKKDTVKKLK